The following is an entry in ClinVar:

NM_176806.4(MOCS2):c.170T>C (p.Phe57Ser)

Gene: MOCS2 (molybdenum cofactor synthesis 2; minus strand). Cytogenetic location: 5q11.2.
Variant type: single nucleotide variant.
Coding change: c.170T>C on transcript NM_176806.4 (MANE Plus Clinical); coding-DNA position 170, T replaced by C.
Protein change: p.Phe57Ser; replaces phenylalanine 57 with serine.
Molecular consequence: missense variant. On other transcripts: 5 prime UTR variant (1).
Genome position (GRCh38, 1-based): chr5:53,107,192, A>G on the plus strand (T>C on the coding strand, the complement: MOCS2 is on the minus strand). VCF-style: chr5-53107192-A-G. GRCh37 (hg19) VCF-style: chr5-52403022-A-G.
Other names: c.-18T>C (NM_004531.5); short protein forms F57S.
Identifiers: ClinVar variation 3370239 (VCV003370239.1).

ClinVar aggregate classification (germline): Uncertain significance (1 of 4 stars; one submission).

Submission:

GeneDx
Classification: Uncertain significance. Last evaluated: 2023-12-27. Review status: criteria provided, single submitter. Criteria: GeneDx Variant Classification Process June 2021. Collection method: clinical testing. Allele origin: germline. Affected: yes.
Comment: Not observed at significant frequency in large population cohorts (gnomAD); In silico analysis supports that this missense variant has a deleterious effect on protein structure/function; Has not been previously published as pathogenic or benign to our knowledge